The following is an entry in ClinVar:

NM_001199138.2(NLRC4):c.2662T>C (p.Trp888Arg)

Gene: NLRC4 (NLR family CARD domain containing 4; minus strand). Cytogenetic location: 2p22.3.
Variant type: single nucleotide variant.
Coding change: c.2662T>C on transcript NM_001199138.2 (MANE Select); coding-DNA position 2662, T replaced by C.
Protein change: p.Trp888Arg; replaces tryptophan 888 with arginine.
Molecular consequence: missense variant.
Genome position (GRCh38, 1-based): chr2:32,235,521, A>G on the plus strand (T>C on the coding strand, the complement: NLRC4 is on the minus strand). VCF-style: chr2-32235521-A-G. GRCh37 (hg19) VCF-style: chr2-32460590-A-G.
Other names: c.2662T>C, p.Trp888Arg (NM_001199139.2, NM_021209.5); c.667T>C, p.Trp223Arg (NM_001302504.2); short protein forms W223R, W888R.
Identifiers: ClinVar variation 1304100 (VCV001304100.11), dbSNP rs760166121, ClinGen allele CA1601731.

ClinVar aggregate classification (germline): Uncertain significance. Review status: criteria provided, multiple submitters, no conflicts (2 of 4 stars). 3 submissions from 3 submitters: Uncertain significance (2). 1 of the submissions does not count toward it. Last evaluated 2024-01-22.

Conditions:
NLRC4-related disorder. Also called: NLRC4-related condition.
Familial cold autoinflammatory syndrome 4 (FCAS4). Identifiers: Orphanet 47045, Orphanet 576349, MedGen C4015276, MONDO:0014498, OMIM 616115.
Periodic fever-infantile enterocolitis-autoinflammatory syndrome. Also called: Autoinflammation with infantile enterocolitis. Identifiers: Orphanet 436166, MedGen C4015067, MONDO:0014472, OMIM 616050.

Allele frequency attached by ClinVar (database versions not stated): gnomAD exomes below 0.00001; TOPMed below 0.00001; ExAC 0.00001; gnomAD 0.00001.
gnomAD v4.1: 5 of 1,614,066 alleles (0.00031%); highest among the groups gnomAD compares: Non-Finnish European, 0.00042%; no homozygotes.

Submissions (3):

Labcorp Genetics (formerly Invitae), Labcorp
Classification: Uncertain significance for Periodic fever-infantile enterocolitis-autoinflammatory syndrome; Familial cold autoinflammatory syndrome 4. Last evaluated: 2024-01-22. Review status: criteria provided, single submitter. Criteria: Invitae Variant Classification Sherloc (09022015). Collection method: clinical testing. Allele origin: germline.
Comment: This sequence change replaces tryptophan, which is neutral and slightly polar, with arginine, which is basic and polar, at codon 888 of the NLRC4 protein (p.Trp888Arg). This variant is present in population databases (rs760166121, gnomAD 0.0009%). This variant has not been reported in the literature in individuals affected with NLRC4-related conditions. ClinVar contains an entry for this variant (Variation ID: 1304100). Advanced modeling of protein sequence and biophysical properties (such as structural, functional, and spatial information, amino acid conservation, physicochemical variation, residue mobility, and thermodynamic stability) has been performed at Invitae for this missense variant, however the output from this modeling did not meet the statistical confidence thresholds required to predict the impact of this variant on NLRC4 protein function. In summary, the available evidence is currently insufficient to determine the role of this variant in disease. Therefore, it has been classified as a Variant of Uncertain Significance.

GeneDx
Classification: Uncertain significance. Last evaluated: 2020-04-22. Review status: criteria provided, single submitter. Criteria: GeneDx Variant Classification Process June 2021. Collection method: clinical testing. Allele origin: germline. Affected: yes.
Comment: In silico analysis supports that this missense variant does not alter protein structure/function; Has not been previously published as pathogenic or benign to our knowledge

PreventionGenetics, part of Exact Sciences
Classification: Uncertain significance for NLRC4-related condition. Last evaluated: 2024-02-19. Review status: no assertion criteria provided. Collection method: clinical testing. Allele origin: germline. Not counted in ClinVar's aggregate classification.
Comment: The NLRC4 c.2662T>C variant is predicted to result in the amino acid substitution p.Trp888Arg. To our knowledge, this variant has not been reported in the literature. This variant is reported in 0.00088% of alleles in individuals of European (Non-Finnish) descent in gnomAD. At this time, the clinical significance of this variant is uncertain due to the absence of conclusive functional and genetic evidence.